The following is an entry in ClinVar:

ClinVar aggregate classification (germline): Uncertain significance. Review status: criteria provided, multiple submitters, no conflicts (2 of 4 stars). 3 submissions from 3 submitters: Uncertain significance (3). Last evaluated 2025-08-31.

Conditions:
Nephronophthisis. Also called: Juvenile Nephronophthisis. Identifiers: Orphanet 655, MedGen C0687120, MONDO:0019005, HP:0000090.
Inborn genetic diseases. Identifiers: MedGen C0950123, MeSH D030342.
Infantile nephronophthisis (NPHP2). Also called: Nephronophthisis 2; Nephronophthisis 2, infantile. Identifiers: Orphanet 655, Orphanet 93591, MedGen C1865872, MONDO:0011190, OMIM 602088.

Allele frequency attached by ClinVar (database versions not stated): ExAC 0.00001; gnomAD exomes 0.00001 and 0.00002; gnomAD 0.00004 and 0.00005; TOPMed 0.00011.
gnomAD v4.1: 28 of 1,613,842 alleles (0.0017%); highest among the groups gnomAD compares: Admixed American, 0.0083%; no homozygotes.

Submissions (3):

Ambry Genetics
Classification: Uncertain significance for Inborn genetic diseases. Last evaluated: 2025-08-31. Review status: criteria provided, single submitter. Criteria: Ambry Variant Classification Scheme 2023. Collection method: clinical testing. Allele origin: germline.

Fulgent Genetics
Classification: Uncertain significance for Infantile nephronophthisis. Last evaluated: 2024-05-09. Review status: criteria provided, single submitter. Criteria: ACMG Guidelines, 2015. Collection method: clinical testing. Allele origin: germline.

Labcorp Genetics (formerly Invitae), Labcorp
Classification: Uncertain significance for Nephronophthisis. Last evaluated: 2022-07-19. Review status: criteria provided, single submitter. Criteria: Invitae Variant Classification Sherloc (09022015). Collection method: clinical testing. Allele origin: germline.
Comment: This sequence change replaces threonine, which is neutral and polar, with serine, which is neutral and polar, at codon 458 of the INVS protein (p.Thr458Ser). This variant is present in population databases (rs745648344, gnomAD 0.004%). This variant has not been reported in the literature in individuals affected with INVS-related conditions. ClinVar contains an entry for this variant (Variation ID: 1042386). Algorithms developed to predict the effect of missense changes on protein structure and function (SIFT, PolyPhen-2, Align-GVGD) all suggest that this variant is likely to be disruptive. In summary, the available evidence is currently insufficient to determine the role of this variant in disease. Therefore, it has been classified as a Variant of Uncertain Significance.

NM_014425.5(INVS):c.1373C>G (p.Thr458Ser)

Gene: INVS (inversin; plus strand). Cytogenetic location: 9q31.1.
Variant type: single nucleotide variant.
Coding change: c.1373C>G on transcript NM_014425.5 (MANE Select); coding-DNA position 1373, C replaced by G.
Protein change: p.Thr458Ser; replaces threonine 458 with serine.
Molecular consequence: missense variant. On other transcripts: non-coding transcript variant (1).
Genome position (GRCh38, 1-based): chr9:100,253,045, C>G. VCF-style: chr9-100253045-C-G. GRCh37 (hg19) VCF-style: chr9-103015327-C-G.
Other names: c.1373C>G (NM_014425.2); c.1085C>G, p.Thr362Ser (NM_001318381.2); c.395C>G, p.Thr132Ser (NM_001318382.2); short protein forms T132S, T458S, T362S.
Identifiers: ClinVar variation 1042386 (VCV001042386.6), dbSNP rs745648344, ClinGen allele CA5158380.
Genomic context (GRCh38, chr9:100,253,045, plus strand): 5'-TTTGCCAGATATTAATAGAAAATAAGATCAATCCAAATGTCCAGGATTATGCAGGAAGAA[C>G]CCCTTTGCAGTGTGCAGCATATGGAGGCTATATCAACTGCATGGCAGTTCTCATGGAAAA-3'
Protein context (NP_055240.2, residues 448-468): NPNVQDYAGR[Thr458Ser]PLQCAAYGGY